The following is an entry in ClinVar:

NM_005634.3(SOX3):c.1077_1088del (p.Ala361_Ala364del)

Gene: SOX3 (SRY-box transcription factor 3; minus strand). Cytogenetic location: Xq27.1.
Variant type: Deletion.
Coding change: c.1077_1088del on transcript NM_005634.3 (MANE Select); coding-DNA positions 1077 to 1088, 12 bases deleted (TGCGGCCGCAGC).
Protein change: p.Ala361_Ala364del.
Molecular consequence: inframe deletion.
Genome position (GRCh38, 1-based): chrX:140,503,973-140,503,984, GCTGCGGCCGCA deleted on the plus strand (TGCGGCCGCAGC on the coding strand, the reverse complement: SOX3 is on the minus strand); deleting any 12 consecutive bases within chrX:140,503,973-140,503,995 gives the same sequence; the c. name uses the placement nearest the transcript's 3' end. VCF-style (leftmost placement, unchanged base first): chrX-140503972-GGCTGCGGCCGCA-G. GRCh37 (hg19) VCF-style: chrX-139586137-GGCTGCGGCCGCA-G.
Identifiers: ClinVar variation 2661539 (VCV002661539.24), dbSNP rs756883263, ClinGen allele CA10531601.

ClinVar aggregate classification (germline): Likely benign (1 of 4 stars; one submission).

Submission:

CeGaT Center for Human Genetics Tuebingen
Classification: Likely benign. Last evaluated: 2023-10-01. Review status: criteria provided, single submitter. Criteria: CeGaT Center For Human Genetics Tuebingen Variant Classification Criteria Version 2. Collection method: clinical testing. Allele origin: germline. Affected: yes. Observed: 1 variant allele.
Comment: SOX3: BS2